The following is an entry in ClinVar:

ClinVar aggregate classification (germline): Benign (1 of 4 stars; one submission).

Submission:

CeGaT Center for Human Genetics Tuebingen
Classification: Benign. Last evaluated: 2026-09-01. Review status: criteria provided, single submitter. Criteria: CeGaT Center For Human Genetics Tuebingen Variant Classification Criteria Version 2. Collection method: clinical testing. Allele origin: germline. Affected: yes. Observed: 5 variant alleles.
Comment: ETV6: BS1, BS2

NM_001987.5(ETV6):c.1010-4384dup

Gene: ETV6 (ETS variant transcription factor 6; plus strand). Cytogenetic location: 12p13.2.
Variant type: Duplication.
Coding change: c.1010-4384dup on transcript NM_001987.5 (MANE Select); 4384 bases into the intron before coding-DNA position 1010, one base duplicated (A; older notation c.1010-4384dupA).
Molecular consequence: intron variant.
Genome position (GRCh38, 1-based): chr12:11,880,061, A duplicated; the last of 8 consecutive A bases (chr12:11,880,054-11,880,061); duplicating any one gives the same sequence. VCF-style (leftmost placement, unchanged base first): chr12-11880053-G-GA. GRCh37 (hg19) VCF-style: chr12-12032987-G-GA.
Other names: c.983-4384dup (NM_001413914.1); c.1009+10092dup (NM_001413917.1); c.1007-4384dup (NM_001413913.1); c.746-4384dup (NM_001413915.1).
Identifiers: ClinVar variation 2642730 (VCV002642730.24), dbSNP rs1024611397, ClinGen allele CA478767575.